The following is an entry in ClinVar:

NM_002471.4(MYH6):c.1634C>T (p.Thr545Ile)

Gene: MYH6 (myosin heavy chain 6; minus strand). Cytogenetic location: 14q11.2.
Variant type: single nucleotide variant.
Coding change: c.1634C>T on transcript NM_002471.4 (MANE Select); coding-DNA position 1634, C replaced by T.
Protein change: p.Thr545Ile; replaces threonine 545 with isoleucine.
Molecular consequence: missense variant.
Genome position (GRCh38, 1-based): chr14:23,398,985, G>A on the plus strand (C>T on the coding strand, the complement: MYH6 is on the minus strand). VCF-style: chr14-23398985-G-A. GRCh37 (hg19) VCF-style: chr14-23868194-G-A.
Other names: short protein forms T545I.
Identifiers: ClinVar variation 3876474 (VCV003876474.1).
Genomic context (GRCh38, chr14:23,398,985, plus strand): 5'-TGGAAATTGTTGGACTTGCCCAGGTGGTTGTCGTACAGCTTGGCCTTGAAGGTCATGTCA[G>A]TGGCCTTGGGGAACATGCACTCCTCCTCCAGGATGGACATGATGCCCATGGGCTGAGGGC-3'
Protein context (NP_002462.2, residues 535-555): LEEECMFPKA[Thr545Ile]DMTFKAKLYD

ClinVar aggregate classification (germline): Uncertain significance (1 of 4 stars; one submission).

Conditions:
Cardiovascular phenotype. Identifiers: MedGen CN230736.

Submission:

Ambry Genetics
Classification: Uncertain significance for Cardiovascular phenotype. Last evaluated: 2025-03-14. Review status: criteria provided, single submitter. Criteria: Ambry Variant Classification Scheme 2023. Collection method: clinical testing. Allele origin: germline.
Comment: The p.T545I variant (also known as c.1634C>T), located in coding exon 13 of the MYH6 gene, results from a C to T substitution at nucleotide position 1634. The threonine at codon 545 is replaced by isoleucine, an amino acid with similar properties. This amino acid position is conserved. In addition, this alteration is predicted to be tolerated by in silico analysis. Based on the available evidence, the clinical significance of this variant remains unclear.